The following is an entry in ClinVar:

ClinVar aggregate classification (germline): Conflicting classifications of pathogenicity. Review status: criteria provided, conflicting classifications (1 of 4 stars). 9 submissions from 8 submitters: Uncertain significance (8); Likely benign (1). Last evaluated 2026-01-19.

Conditions:
Pheochromocytoma/paraganglioma syndrome 4. Also called: CAROTID BODY TUMORS AND MULTIPLE EXTRAADRENAL PHEOCHROMOCYTOMAS; PARAGANGLIOMA, FAMILIAL MALIGNANT; PARAGANGLIOMAS, HEREDITARY EXTRAADRENAL; PHEOCHROMOCYTOMA, FAMILIAL EXTRAADRENAL; SDHB-Related Hereditary Paraganglioma-Pheochromocytoma Syndrome (Paragangliomas 4); SDHB-Related Hereditary Paraganglioma-Pheochromocytoma Syndrome. Identifiers: Orphanet 29072, MedGen C1861848, MONDO:0007273, OMIM 115310.
Carney-Stratakis syndrome. Also called: PARAGANGLIOMA AND GASTROINTESTINAL STROMAL TUMOR. Identifiers: Orphanet 97286, MedGen C1847319, MONDO:0011740, OMIM 606864.
Gastrointestinal stromal tumor. Also called: Gastrointestinal stroma tumor; Gastrointestinal stromal tumor, somatic. Identifiers: Orphanet 44890, MedGen C0238198, MeSH D046152, MONDO:0011719, OMIM 606764, HP:0100723.
Mitochondrial complex 2 deficiency, nuclear type 4. Also called: MITOCHONDRIAL COMPLEX II DEFICIENCY, NUCLEAR TYPE 4. Identifiers: MedGen C5543176, MONDO:0030974, OMIM 619224.
SDHB-related disorder. Also called: SDHB-related condition; SDHB-related disorders. Identifiers: MedGen CN239418.
Pheochromocytoma. Also called: MAX-Related Hereditary Paraganglioma-Pheochromocytoma Syndrome. Identifiers: Orphanet 29072, MedGen C0031511, MONDO:0008233, OMIM 171300, HP:0002666.
Hereditary cancer-predisposing syndrome. Also called: Neoplastic Syndromes, Hereditary; Tumor predisposition; Hereditary Cancer Syndrome; Hereditary neoplastic syndrome. Identifiers: Orphanet 140162, MedGen C0027672, MeSH D009386, MONDO:0015356.
Hereditary pheochromocytoma and paraganglioma. Also called: Hereditary Paraganglioma-Pheochromocytoma Syndromes; Hereditary paragangliomas and pheochromocytomas; Hereditary pheochromocytoma-paraganglioma. Identifiers: Orphanet 29072, MedGen C4274332, MONDO:0017366.

Allele frequency attached by ClinVar (database versions not stated): gnomAD exomes 0.00001 and 0.00004; ExAC 0.00006; gnomAD 0.00011 and 0.00012; TOPMed 0.00015; ESP Exome Variant Server 0.00031.

Submissions (9):

Labcorp Genetics (formerly Invitae), Labcorp
Classification: Uncertain significance for Gastrointestinal stromal tumor; Pheochromocytoma/paraganglioma syndrome 4; Pheochromocytoma. Last evaluated: 2026-01-19. Review status: criteria provided, single submitter. Criteria: Invitae Variant Classification Sherloc (09022015). Collection method: clinical testing. Allele origin: germline.
Comment: This sequence change replaces serine, which is neutral and polar, with phenylalanine, which is neutral and non-polar, at codon 152 of the SDHB protein (p.Ser152Phe). This variant is present in population databases (rs200414835, gnomAD 0.07%). This missense change has been observed in individual(s) with pheochromocytoma and/or paraganglioma (PMID: 26269449, 34906457). ClinVar contains an entry for this variant (Variation ID: 412492). Invitae Evidence Modeling of protein sequence and biophysical properties (such as structural, functional, and spatial information, amino acid conservation, physicochemical variation, residue mobility, and thermodynamic stability) indicates that this missense variant is not expected to disrupt SDHB protein function with a negative predictive value of 80%. In summary, the available evidence is currently insufficient to determine the role of this variant in disease. Therefore, it has been classified as a Variant of Uncertain Significance.

PreventionGenetics, part of Exact Sciences
Classification: Uncertain significance for SDHB-related condition. Last evaluated: 2025-05-30. Review status: criteria provided, single submitter. Criteria: ACMG Guidelines, 2015. Collection method: clinical testing. Allele origin: germline.
Comment: The SDHB c.455C>T variant is predicted to result in the amino acid substitution p.Ser152Phe. This variant was reported in an individual with pheochromocytomas and/or paragangliomas (Garrett et al. 2022. PubMed ID: 34906457). This variant is reported in 0.062% of alleles in individuals of African descent in gnomAD. This variant has conflicting interpretations of pathogenicity in ClinVar ranging from likely benign to uncertain. At this time, the clinical significance of this variant is uncertain due to the absence of conclusive functional and genetic evidence.

GeneDx
Classification: Uncertain significance. Last evaluated: 2024-07-29. Review status: criteria provided, single submitter. Criteria: GeneDx Variant Classification Process June 2021. Collection method: clinical testing. Allele origin: germline. Affected: yes.
Comment: Observed in individuals with pheochromocytoma or paraganglioma (PMID: 34906457, 26269449); In silico analysis supports that this missense variant has a deleterious effect on protein structure/function; This variant is associated with the following publications: (PMID: 26269449, 34906457)

Color Diagnostics, LLC DBA Color Health
Classification: Uncertain significance for Hereditary pheochromocytoma and paraganglioma. Last evaluated: 2024-03-21. Review status: criteria provided, single submitter. Criteria: ACMG Guidelines, 2015. Collection method: clinical testing. Allele origin: germline.
Comment: This missense variant replaces serine with phenylalanine at codon 152 of the SDHB protein. Computational prediction suggests that this variant may have deleterious impact on protein structure and function (internally defined REVEL score threshold >= 0.7, PMID: 27666373). To our knowledge, functional studies have not been reported for this variant. This variant has been reported in individuals affected with paraganglioma and/or pheochromocytoma (PMID: 26269449, 34906457). This variant has been identified in 11/251296 chromosomes in the general population by the Genome Aggregation Database (gnomAD). The available evidence is insufficient to determine the role of this variant in disease conclusively. Therefore, this variant is classified as a Variant of Uncertain Significance.

Baylor Genetics
Classification: Uncertain significance for Gastrointestinal stromal tumor. Last evaluated: 2024-01-23. Review status: criteria provided, single submitter. Criteria: ACMG Guidelines, 2015. Collection method: clinical testing. Allele origin: unknown.

Fulgent Genetics
Classification: Uncertain significance for Pheochromocytoma/paraganglioma syndrome 4; Gastrointestinal stromal tumor; Carney-Stratakis syndrome; Mitochondrial complex 2 deficiency, nuclear type 4. Last evaluated: 2024-01-15. Review status: criteria provided, single submitter. Criteria: ACMG Guidelines, 2015. Collection method: clinical testing. Allele origin: germline.

Institute for Clinical Genetics, University Hospital TU Dresden, University Hospital TU Dresden
Classification: Uncertain significance. Last evaluated: 2021-11-03. Review status: criteria provided, single submitter. Criteria: ACMG Guidelines, 2015. Collection method: clinical testing. Allele origin: germline.

Ambry Genetics
Classification: Likely benign for Hereditary cancer-predisposing syndrome. Last evaluated: 2021-09-21. Review status: criteria provided, single submitter. Criteria: Ambry Variant Classification Scheme 2023. Collection method: clinical testing. Allele origin: germline.

Fulgent Genetics
Classification: Uncertain significance for Pheochromocytoma/paraganglioma syndrome 4; Pheochromocytoma; Carney-Stratakis syndrome. Last evaluated: 2018-10-31. Review status: criteria provided, single submitter. Criteria: ACMG Guidelines, 2015. Collection method: clinical testing. Allele origin: unknown.

Literature cited by the submitters: PubMed 26269449 (cited by 3 submitters); PubMed 34906457 (cited by Labcorp Genetics (formerly Invitae), Labcorp and Color Diagnostics, LLC DBA Color Health).

NM_003000.3(SDHB):c.455C>T (p.Ser152Phe)

Gene: SDHB (succinate dehydrogenase complex iron sulfur subunit B; minus strand). Cytogenetic location: 1p36.13.
Variant type: single nucleotide variant.
Coding change: c.455C>T on transcript NM_003000.3 (MANE Select); coding-DNA position 455, C replaced by T.
Protein change: p.Ser152Phe; replaces serine 152 with phenylalanine.
Molecular consequence: missense variant.
Genome position (GRCh38, 1-based): chr1:17,027,834, G>A on the plus strand (C>T on the coding strand, the complement: SDHB is on the minus strand). VCF-style: chr1-17027834-G-A. GRCh37 (hg19) VCF-style: chr1-17354329-G-A.
Other names: short protein forms S152F.
Identifiers: ClinVar variation 412492 (VCV000412492.27), dbSNP rs200414835, ClinGen allele CA089629.